The following is an entry in ClinVar:

ClinVar aggregate classification (germline): Uncertain significance (1 of 4 stars; one submission).

Submission:

GeneDx
Classification: Uncertain significance. Last evaluated: 2025-04-01. Review status: criteria provided, single submitter. Criteria: GeneDx Variant Classification Process June 2021. Collection method: clinical testing. Allele origin: germline. Affected: yes.
Comment: Not observed at significant frequency in large population cohorts (gnomAD); In silico analysis supports that this missense variant has a deleterious effect on protein structure/function; Has not been previously published as pathogenic or benign to our knowledge; Occurs in the triple helical domain at the Y position in the canonical Gly-X-Y repeat; although this variant may have an effect on normal protein folding and function, missense substitution at the Y position is not a common mechanism of disease (HGMD); Also known as p.(P348L)

NM_001844.5(COL2A1):c.1643C>T (p.Pro548Leu)

Gene: COL2A1 (collagen type II alpha 1 chain; minus strand). Cytogenetic location: 12q13.11.
Variant type: single nucleotide variant.
Coding change: c.1643C>T on transcript NM_001844.5 (MANE Select); coding-DNA position 1643, C replaced by T.
Protein change: p.Pro548Leu; replaces proline 548 with leucine.
Molecular consequence: missense variant.
Genome position (GRCh38, 1-based): chr12:47,985,765, G>A on the plus strand (C>T on the coding strand, the complement: COL2A1 is on the minus strand). VCF-style: chr12-47985765-G-A. GRCh37 (hg19) VCF-style: chr12-48379548-G-A.
Other names: c.1436C>T, p.Pro479Leu (NM_033150.3); short protein forms P479L, P548L.
Identifiers: ClinVar variation 4278908 (VCV004278908.1).
Genomic context (GRCh38, chr12:47,985,765, plus strand): 5'-GCAACAGCAGCTCTGCTACTTACCCGGGCTCCAGGAAGGCCAGGTTCTCCAGGACGGCCA[G>A]GGTCACCGTTGGCTCCCTTGGGGCCAGCAAGACCACTGGGCCCTCGCTCTCCAGGGGCTC-3'
Protein context (NP_001835.3, residues 538-558): LAGPKGANGD[Pro548Leu]GRPGEPGLPG